The following is an entry in ClinVar:

NM_006915.3(RP2):c.593_594del (p.Tyr198fs)

Gene: RP2 (RP2 activator of ARL3 GTPase; plus strand). Cytogenetic location: Xp11.3.
Variant type: Deletion.
Coding change: c.593_594del on transcript NM_006915.3 (MANE Select); coding-DNA positions 593 to 594, 2 bases deleted (AT; older notation c.593_594delAT).
Protein change: p.Tyr198fs; shifts the reading frame from tyrosine 198.
Molecular consequence: frameshift variant.
Genome position (GRCh38, 1-based): chrX:46,853,966-46,853,967, AT deleted; deleting any 2 consecutive bases within chrX:46,853,965-46,853,967 gives the same sequence; the c. name uses the placement nearest the transcript's 3' end. VCF-style (leftmost placement, unchanged base first): chrX-46853964-CTA-C. GRCh37 (hg19) VCF-style: chrX-46713399-CTA-C.
Other names: c.593_594del (NM_006915.2); short protein forms Y198fs.
Identifiers: ClinVar variation 289957 (VCV000289957.10), dbSNP rs886044897, ClinGen allele CA10606608.

ClinVar aggregate classification (germline): Pathogenic. Review status: criteria provided, multiple submitters, no conflicts (2 of 4 stars). 2 submissions from 2 submitters: Pathogenic (2). Last evaluated 2022-04-06.

Conditions:
Retinitis pigmentosa 2 (RP2). Also called: Retinitis pigmentosa 2, X linked. Identifiers: Orphanet 791, MedGen C2681923, MONDO:0010723, OMIM 312600.

Submissions (2):

Labcorp Genetics (formerly Invitae), Labcorp
Classification: Pathogenic. Last evaluated: 2022-04-06. Review status: criteria provided, single submitter. Criteria: Invitae Variant Classification Sherloc (09022015). Collection method: clinical testing. Allele origin: germline.
Comment: For these reasons, this variant has been classified as Pathogenic. ClinVar contains an entry for this variant (Variation ID: 289957). This sequence change creates a premature translational stop signal (p.Tyr198Cysfs*20) in the RP2 gene. It is expected to result in an absent or disrupted protein product. Loss-of-function variants in RP2 are known to be pathogenic (PMID: 11992260, 20625056). This variant is not present in population databases (gnomAD no frequency). This variant has not been reported in the literature in individuals affected with RP2-related conditions.

Eurofins Ntd Llc (ga)
Classification: Pathogenic. Last evaluated: 2016-08-03. Review status: criteria provided, single submitter. Criteria: EGL Classification Definitions 2015. Collection method: clinical testing. Allele origin: germline. Observed: 2 variant alleles, 1 heterozygote, 1 hemizygote.

Literature cited by the submitters: PubMed 11992260 (cited by Labcorp Genetics (formerly Invitae), Labcorp); PubMed 20625056 (cited by Labcorp Genetics (formerly Invitae), Labcorp).